The following is an entry in ClinVar:

NM_002691.4(POLD1):c.1163T>C (p.Met388Thr)

Gene: POLD1 (DNA polymerase delta 1, catalytic subunit; plus strand). Cytogenetic location: 19q13.33.
Variant type: single nucleotide variant.
Coding change: c.1163T>C on transcript NM_002691.4 (MANE Select); coding-DNA position 1163, T replaced by C.
Protein change: p.Met388Thr; replaces methionine 388 with threonine.
Molecular consequence: missense variant. On other transcripts: non-coding transcript variant (1).
Genome position (GRCh38, 1-based): chr19:50,403,518, T>C. VCF-style: chr19-50403518-T-C. GRCh37 (hg19) VCF-style: chr19-50906775-T-C.
Other names: c.1163T>C, p.Met388Thr (NM_001256849.1, NM_001308632.1); short protein forms M388T.
Identifiers: ClinVar variation 1510537 (VCV001510537.8), dbSNP rs2038747019, ClinGen allele CA406978475.

ClinVar aggregate classification (germline): Uncertain significance (1 of 4 stars; one submission).

Conditions:
POLD1-related polyposis and colorectal cancer syndrome (CRCS10). Also called: Colorectal cancer 10; COLORECTAL CANCER, SUSCEPTIBILITY TO, ON CHROMOSOME 19q; Colorectal cancer, susceptibility to, 10. Identifiers: Orphanet 220460, MedGen C2675481, MONDO:0012953, OMIM 612591.

Allele frequency attached by ClinVar (database versions not stated): gnomAD exomes below 0.00001.
gnomAD v4.1: 1 of 1,614,046 alleles (0.000062%); highest among the groups gnomAD compares: South Asian, 0.0011%; no homozygotes.

Submission:

Labcorp Genetics (formerly Invitae), Labcorp
Classification: Uncertain significance for POLD1-related polyposis and colorectal cancer syndrome. Last evaluated: 2024-10-27. Review status: criteria provided, single submitter. Criteria: Invitae Variant Classification Sherloc (09022015). Collection method: clinical testing. Allele origin: germline.
Comment: This sequence change replaces methionine, which is neutral and non-polar, with threonine, which is neutral and polar, at codon 388 of the POLD1 protein (p.Met388Thr). This variant is not present in population databases (gnomAD no frequency). This missense change has been observed in individual(s) with POLD1-related conditions (PMID: 35534704). ClinVar contains an entry for this variant (Variation ID: 1510537). Invitae Evidence Modeling of protein sequence and biophysical properties (such as structural, functional, and spatial information, amino acid conservation, physicochemical variation, residue mobility, and thermodynamic stability) indicates that this missense variant is not expected to disrupt POLD1 protein function with a negative predictive value of 80%. In summary, the available evidence is currently insufficient to determine the role of this variant in disease. Therefore, it has been classified as a Variant of Uncertain Significance.

Literature cited by the submitters: PubMed 35534704.